The following is an entry in ClinVar:

ClinVar aggregate classification (germline): Likely benign. Review status: criteria provided, single submitter (1 of 4 stars). 2 submissions from 2 submitters: Likely benign (1). 1 of the submissions does not count toward it. Last evaluated 2024-09-19.

Conditions:
Marinesco-Sjögren syndrome (MSS). Also called: Marinesco-SjÃ¶gren syndrome; Marinesco-Sjogren Syndrome. Identifiers: Orphanet 559, MedGen C0024814, MONDO:0009567, OMIM 248800.
SIL1-related disorder. Also called: SIL1-related condition.

Allele frequency attached by ClinVar (database versions not stated): TOPMed 0.00003; ExAC 0.00004; gnomAD 0.00005.
gnomAD v4.1: 27 of 1,608,492 alleles (0.0017%); highest among the groups gnomAD compares: East Asian, 0.027%; no homozygotes.

Submissions (2):

Labcorp Genetics (formerly Invitae), Labcorp
Classification: Likely benign for Marinesco-Sjögren syndrome. Last evaluated: 2024-09-19. Review status: criteria provided, single submitter. Criteria: Invitae Variant Classification Sherloc (09022015). Collection method: clinical testing. Allele origin: germline.

PreventionGenetics, part of Exact Sciences
Classification: Likely benign for SIL1-related condition. Last evaluated: 2021-06-07. Review status: no assertion criteria provided. Collection method: clinical testing. Allele origin: germline. Not counted in ClinVar's aggregate classification.
Comment: This variant is classified as likely benign based on ACMG/AMP sequence variant interpretation guidelines (Richards et al. 2015 PMID: 25741868, with internal and published modifications).

NM_022464.5(SIL1):c.1030-19C>T

Gene: SIL1 (SIL1 nucleotide exchange factor; minus strand). Cytogenetic location: 5q31.2.
Variant type: single nucleotide variant.
Coding change: c.1030-19C>T on transcript NM_022464.5 (MANE Select); 19 bases into the intron before coding-DNA position 1030, C replaced by T.
Molecular consequence: intron variant.
Genome position (GRCh38, 1-based): chr5:138,947,492, G>A on the plus strand (C>T on the coding strand, the complement: SIL1 is on the minus strand). VCF-style: chr5-138947492-G-A. GRCh37 (hg19) VCF-style: chr5-138283181-G-A.
Other names: c.1030-19C>T (NM_001037633.2).
Identifiers: ClinVar variation 3054143 (VCV003054143.4), dbSNP rs779265176, ClinGen allele CA3432385.